The following is an entry in ClinVar:

ClinVar aggregate classification (germline): Uncertain significance (1 of 4 stars; one submission).

Conditions:
Emery-Dreifuss muscular dystrophy 4, autosomal dominant (EDMD4). Also called: EMERY-DREIFUSS MUSCULAR DYSTROPHY 4 WITH VARIABLE FEATURES. Identifiers: Orphanet 261, MedGen C2751807, MONDO:0013071, OMIM 612998.
Autosomal recessive ataxia, Beauce type. Also called: Spinocerebellar ataxia, autosomal recessive 8; ATAXIA, RECESSIVE, OF BEAUCE; SYNE1 Deficiency; SYNE1-Related Autosomal Recessive Cerebellar Ataxia. Identifiers: Orphanet 88644, MedGen C1853116, MONDO:0012549, OMIM 610743.

Allele frequency attached by ClinVar (database versions not stated): gnomAD 0.00002 and 0.00003; ESP Exome Variant Server 0.00008; 1000 Genomes Project 30x 0.00031; 1000 Genomes Project 0.00040.
gnomAD v4.1: 30 of 1,613,484 alleles (0.0019%); highest among the groups gnomAD compares: Admixed American, 0.005%; no homozygotes.

Submission:

Labcorp Genetics (formerly Invitae), Labcorp
Classification: Uncertain significance for Emery-Dreifuss muscular dystrophy 4, autosomal dominant; Autosomal recessive ataxia, Beauce type. Last evaluated: 2022-04-02. Review status: criteria provided, single submitter. Criteria: Invitae Variant Classification Sherloc (09022015). Collection method: clinical testing. Allele origin: germline.
Comment: This variant is present in population databases (rs138915528, gnomAD 0.006%). This sequence change replaces glutamic acid, which is acidic and polar, with lysine, which is basic and polar, at codon 1253 of the SYNE1 protein (p.Glu1253Lys). This variant has not been reported in the literature in individuals affected with SYNE1-related conditions. In summary, the available evidence is currently insufficient to determine the role of this variant in disease. Therefore, it has been classified as a Variant of Uncertain Significance. Algorithms developed to predict the effect of missense changes on protein structure and function output the following: SIFT: "Deleterious"; PolyPhen-2: "Benign"; Align-GVGD: "Class C0". The lysine amino acid residue is found in multiple mammalian species, which suggests that this missense change does not adversely affect protein function.

NM_182961.4(SYNE1):c.3736G>A (p.Glu1246Lys)

Gene: SYNE1 (spectrin repeat containing nuclear envelope protein 1; minus strand). Cytogenetic location: 6q25.2.
Variant type: single nucleotide variant.
Coding change: c.3736G>A on transcript NM_182961.4 (MANE Select); coding-DNA position 3736, G replaced by A.
Protein change: p.Glu1246Lys; replaces glutamic acid 1246 with lysine.
Molecular consequence: missense variant.
Genome position (GRCh38, 1-based): chr6:152,444,512, C>T on the plus strand (G>A on the coding strand, the complement: SYNE1 is on the minus strand). VCF-style: chr6-152444512-C-T. GRCh37 (hg19) VCF-style: chr6-152765647-C-T.
Other names: c.3757G>A, p.Glu1253Lys (NM_033071.5); short protein forms E1246K, E1253K.
Identifiers: ClinVar variation 1525601 (VCV001525601.4), dbSNP rs138915528, ClinGen allele CA4058758.